The following is an entry in ClinVar:

NM_004168.4(SDHA):c.622-8del

Gene: SDHA (succinate dehydrogenase complex flavoprotein subunit A; plus strand). Cytogenetic location: 5p15.33.
Variant type: Deletion.
Coding change: c.622-8del on transcript NM_004168.4 (MANE Select); 8 bases into the intron before coding-DNA position 622, one base deleted (T; older notation c.622-8delT).
Molecular consequence: intron variant.
Genome position (GRCh38, 1-based): chr5:228,177, T deleted; the last of 3 consecutive T bases (chr5:228,175-228,177); deleting any one gives the same sequence. VCF-style (leftmost placement, unchanged base first): chr5-228174-CT-C. GRCh37 (hg19) VCF-style: chr5-228289-CT-C.
Other names: c.622-8del (NM_001330758.2); c.478-8del (NM_001294332.2).
Identifiers: ClinVar variation 733171 (VCV000733171.12), dbSNP rs777777373, ClinGen allele CA3172922.

ClinVar aggregate classification (germline): Likely benign. Review status: criteria provided, multiple submitters, no conflicts (2 of 4 stars). 2 submissions from 2 submitters: Likely benign (2). Last evaluated 2025-07-03.

Conditions:
Pheochromocytoma/paraganglioma syndrome 5. Also called: Paragangliomas 5; SDHA-Related Hereditary Paraganglioma-Pheochromocytoma Syndrome. Identifiers: Orphanet 29072, MedGen C3279992, MONDO:0013602, OMIM 614165.
Mitochondrial complex II deficiency, nuclear type 1. Also called: SUCCINATE CoQ REDUCTASE DEFICIENCY. Identifiers: Orphanet 3208, MedGen C5700310, MONDO:0100294, OMIM 252011.

Submissions (2):

Labcorp Genetics (formerly Invitae), Labcorp
Classification: Likely benign for Pheochromocytoma/paraganglioma syndrome 5; Mitochondrial complex II deficiency, nuclear type 1. Last evaluated: 2025-07-03. Review status: criteria provided, single submitter. Criteria: Invitae Variant Classification Sherloc (09022015). Collection method: clinical testing. Allele origin: germline.

Myriad Genetics, Inc.
Classification: Likely benign for Pheochromocytoma/paraganglioma syndrome 5. Last evaluated: 2025-03-03. Review status: criteria provided, single submitter. Criteria: Myriad Autosomal Dominant, Autosomal Recessive and X-Linked Classification Criteria (2023). Collection method: clinical testing. Allele origin: unknown.
Comment: This variant is considered likely benign. This variant is intronic and is not expected to impact mRNA splicing.